The following is an entry in ClinVar:

ClinVar aggregate classification (germline): Likely pathogenic (1 of 4 stars; one submission).

Conditions:
TARP syndrome (TARPS). Also called: TALIPES EQUINOVARUS, ATRIAL SEPTAL DEFECT, ROBIN SEQUENCE, AND PERSISTENCE OF LEFT SUPERIOR VENA CAVA; PIERRE ROBIN SYNDROME WITH CONGENITAL HEART MALFORMATION AND CLUBFOOT. Identifiers: Orphanet 2886, MedGen C1839463, MONDO:0010711, OMIM 311900.

Submission:

3billion
Classification: Likely pathogenic for TARP syndrome. Last evaluated: 2022-01-03. Review status: criteria provided, single submitter. Criteria: ACMG Guidelines, 2015. Collection method: clinical testing. Allele origin: germline. Affected: yes. Observed: 1 hemizygote.
Comment: Stop-gained (nonsense): predicted to result in a loss or disruption of normal protein function through nonsense-mediated decay (NMD) or protein truncation. Multiple pathogenic variants are reported downstream of the variant (PVS1_VS). It is not observed in the gnomAD v2.1.1 dataset (PM2_M). Therefore, this variant is classified as likely pathogenic according to the recommendation of ACMG/AMP guideline.

NM_005676.5(RBM10):c.2514C>G (p.Tyr838Ter)

Gene: RBM10 (RNA binding motif protein 10; plus strand). Cytogenetic location: Xp11.3.
Variant type: single nucleotide variant.
Coding change: c.2514C>G on transcript NM_005676.5 (MANE Select); coding-DNA position 2514, C replaced by G.
Protein change: p.Tyr838Ter; replaces tyrosine 838 with a stop codon.
Molecular consequence: nonsense.
Genome position (GRCh38, 1-based): chrX:47,186,148, C>G. VCF-style: chrX-47186148-C-G. GRCh37 (hg19) VCF-style: chrX-47045547-C-G.
Other names: c.2283C>G, p.Tyr761Ter (NM_001204466.2); c.2511C>G, p.Tyr837Ter (NM_001204467.2); c.2709C>G, p.Tyr903Ter (NM_001204468.2); c.2280C>G, p.Tyr760Ter (NM_152856.3); short protein forms Y760*, Y761*, Y837*, Y838*, Y903*.
Identifiers: ClinVar variation 1333475 (VCV001333475.1), dbSNP rs781920661, ClinGen allele CA412809210.